The following is an entry in ClinVar:

ClinVar aggregate classification (germline): Pathogenic (1 of 4 stars; one submission).

Conditions:
Snijders Blok-Campeau syndrome. Also called: INTELLECTUAL DEVELOPMENTAL DISORDER WITH MACROCEPHALY, SPEECH DELAY, AND DYSMORPHIC FACIES. Identifiers: Orphanet 599082, MedGen C4748701, MONDO:0032600, OMIM 618205.

Submission:

Victorian Clinical Genetics Services, Murdoch Childrens Research Institute
Classification: Pathogenic for Snijders Blok-Campeau syndrome. Last evaluated: 2024-10-10. Review status: criteria provided, single submitter. Criteria: ACMG Guidelines, 2015. Collection method: clinical testing. Allele origin: germline. Inheritance: Autosomal dominant inheritance. Affected: yes.
Comment: Based on the classification scheme VCGS_Germline_v1.3.5, this variant is classified as Pathogenic. Following criteria are met: 0103 - Loss of function and gain of function are known mechanisms of disease in this gene and are associated with Snijders Blok-Campeau syndrome (MIM#618205), however no clear genotype-phenotype correlations have been identified to determine how both overactivity and underactivity of CHD3 can result in the same phenotype (PMID: 32483341). (I) 0107 - This gene is associated with autosomal dominant disease. (I) 0115 - Variants in this gene are known to have variable expressivity. Variable expressivity has been reported including inheritance from mildly affected parents (PMID: 35346573). (I) 0201 - Variant is predicted to cause nonsense-mediated decay (NMD) and loss of protein (premature termination codon is located at least 54 nucleotides upstream of the final exon-exon junction). (SP) 0251 - This variant is heterozygous. (I) 0301 - Variant is absent from gnomAD (v2, v3 and v4). (SP) 0701 - Other NMD predicted variants comparable to the one identified in this case have very strong previous evidence for pathogenicity (DECIPHER). (SP) 0807 - This variant has no previous evidence of pathogenicity. (I) 0905 - No published segregation evidence has been identified for this variant. (I) 1007 - No published functional evidence has been identified for this variant. (I) 1208 - Inheritance information for this variant is not currently available in this individual. (I) Legend: (SP) - Supporting pathogenic, (I) - Information, (SB) - Supporting benign

Literature cited by the submitters: PubMed 32483341; PubMed 35346573.

NM_001005273.3(CHD3):c.1612_1613delinsA (p.Pro538fs)

Gene: CHD3 (chromodomain helicase DNA binding protein 3; plus strand). Cytogenetic location: 17p13.1.
Variant type: Indel.
Coding change: c.1612_1613delinsA on transcript NM_001005273.3 (MANE Select); coding-DNA positions 1612 to 1613, CC replaced by A.
Protein change: p.Pro538fs; shifts the reading frame from proline 538.
Molecular consequence: frameshift variant.
Genome position (GRCh38, 1-based): chr17:7,895,447-7,895,448, CC replaced by A. VCF-style: chr17-7895447-CC-A. GRCh37 (hg19) VCF-style: chr17-7798765-CC-A.
Other names: c.1789_1790delinsA, p.Pro597fs (NM_001005271.3); c.1612_1613delinsA, p.Pro538fs (NM_005852.4); short protein forms P538fs, P597fs.
Identifiers: ClinVar variation 3376968 (VCV003376968.1).